The following is an entry in ClinVar:

NM_015450.3(POT1):c.1505+1del

Gene: POT1 (protection of telomeres 1; minus strand). Cytogenetic location: 7q31.33.
Variant type: Deletion.
Coding change: c.1505+1del on transcript NM_015450.3 (MANE Select); the canonical splice donor site of the intron after coding-DNA position 1505, one base deleted (G; older notation c.1505+1delG).
Molecular consequence: splice donor variant.
Genome position (GRCh38, 1-based): chr7:124,835,278, C deleted on the plus strand (G on the coding strand, the reverse complement: POT1 is on the minus strand); the first of 3 consecutive C bases (chr7:124,835,278-124,835,280); deleting any one gives the same sequence. VCF-style (leftmost placement, unchanged base first): chr7-124835277-AC-A. GRCh37 (hg19) VCF-style: chr7-124475331-AC-A.
Other names: c.1112+1del (NM_001042594.2).
Identifiers: ClinVar variation 3423123 (VCV003423123.1).

ClinVar aggregate classification (germline): Likely pathogenic (1 of 4 stars; one submission).

Conditions:
Hereditary cancer-predisposing syndrome. Also called: Neoplastic Syndromes, Hereditary; Tumor predisposition; Hereditary Cancer Syndrome; Hereditary neoplastic syndrome. Identifiers: Orphanet 140162, MedGen C0027672, MeSH D009386, MONDO:0015356.

Submission:

Ambry Genetics
Classification: Likely pathogenic for Hereditary cancer-predisposing syndrome. Last evaluated: 2024-09-23. Review status: criteria provided, single submitter. Criteria: Ambry Variant Classification Scheme 2023. Collection method: clinical testing. Allele origin: germline.
Comment: The c.1505+1delG intronic variant results from a deletion of one nucleotide after coding exon 11 of the POT1 gene. This variant is considered to be rare based on population cohorts in the Genome Aggregation Database (gnomAD). This nucleotide position is highly conserved in available vertebrate species. In silico splice site analysis predicts that this alteration will weaken the native splice donor site and will result in the creation or strengthening of a novel splice donor site. Alterations that disrupt the canonical splice site are expected to cause aberrant splicing, resulting in an abnormal protein or a transcript that is subject to nonsense-mediated mRNA decay. As such, this alteration is classified as likely pathogenic.